The following is an entry in ClinVar:

NM_005660.3(SLC35A2):c.713T>C (p.Leu238Pro)

Gene: SLC35A2 (solute carrier family 35 member A2; minus strand). Cytogenetic location: Xp11.23.
Variant type: single nucleotide variant.
Coding change: c.713T>C on transcript NM_005660.3 (MANE Select); coding-DNA position 713, T replaced by C.
Protein change: p.Leu238Pro; replaces leucine 238 with proline.
Molecular consequence: missense variant. On other transcripts: intron variant (3).
Genome position (GRCh38, 1-based): chrX:48,905,196, A>G on the plus strand (T>C on the coding strand, the complement: SLC35A2 is on the minus strand). VCF-style: chrX-48905196-A-G. GRCh37 (hg19) VCF-style: chrX-48762473-A-G.
Other names: c.713T>C, p.Leu238Pro (NM_001042498.3); c.530T>C, p.Leu177Pro (NM_001282649.2); c.752T>C, p.Leu251Pro (NM_001282650.2); c.797T>C, p.Leu266Pro (NM_001282651.2); c.427-304T>C (NM_001282647.2, NM_001032289.3); c.355-304T>C (NM_001282648.2); short protein forms L238P, L251P, L177P, L266P.
Identifiers: ClinVar variation 3646559 (VCV003646559.2).

ClinVar aggregate classification (germline): Uncertain significance (1 of 4 stars; one submission).

Conditions:
SLC35A2-congenital disorder of glycosylation. Also called: DEVELOPMENTAL AND EPILEPTIC ENCEPHALOPATHY 22; CONGENITAL DISORDER OF GLYCOSYLATION, TYPE IIm; SLC35A2-CDG; EPILEPTIC ENCEPHALOPATHY, EARLY INFANTILE, 22; CDG IIm; CONGENITAL DISORDER OF GLYCOSYLATION, TYPE IIm, SOMATIC MOSAIC. Identifiers: Orphanet 356961, MedGen C3806688, MONDO:0010478, OMIM 300896.

Submission:

Labcorp Genetics (formerly Invitae), Labcorp
Classification: Uncertain significance for SLC35A2-congenital disorder of glycosylation. Last evaluated: 2024-05-20. Review status: criteria provided, single submitter. Criteria: Invitae Variant Classification Sherloc (09022015). Collection method: clinical testing. Allele origin: germline.
Comment: This sequence change replaces leucine, which is neutral and non-polar, with proline, which is neutral and non-polar, at codon 238 of the SLC35A2 protein (p.Leu238Pro). This variant is not present in population databases (gnomAD no frequency). This variant has not been reported in the literature in individuals affected with SLC35A2-related conditions. Advanced modeling of protein sequence and biophysical properties (such as structural, functional, and spatial information, amino acid conservation, physicochemical variation, residue mobility, and thermodynamic stability) has been performed at Invitae for this missense variant, however the output from this modeling did not meet the statistical confidence thresholds required to predict the impact of this variant on SLC35A2 protein function. In summary, the available evidence is currently insufficient to determine the role of this variant in disease. Therefore, it has been classified as a Variant of Uncertain Significance.